The following is an entry in ClinVar:

ClinVar aggregate classification (germline): Uncertain significance (1 of 4 stars; one submission).

Submission:

GeneDx
Classification: Uncertain significance. Last evaluated: 2021-01-12. Review status: criteria provided, single submitter. Criteria: GeneDx Variant Classification Process June 2021. Collection method: clinical testing. Allele origin: germline. Affected: yes.
Comment: Not observed in large population cohorts (Lek et al., 2016); In silico analysis supports that this missense variant does not alter protein structure/function; Has not been previously published as pathogenic or benign to our knowledge

NM_020745.4(AARS2):c.2542G>A (p.Val848Met)

Gene: AARS2 (alanyl-tRNA synthetase 2, mitochondrial; minus strand). Cytogenetic location: 6p21.1.
Variant type: single nucleotide variant.
Coding change: c.2542G>A on transcript NM_020745.4 (MANE Select); coding-DNA position 2542, G replaced by A.
Protein change: p.Val848Met; replaces valine 848 with methionine.
Molecular consequence: missense variant.
Genome position (GRCh38, 1-based): chr6:44,302,116, C>T on the plus strand (G>A on the coding strand, the complement: AARS2 is on the minus strand). VCF-style: chr6-44302116-C-T. GRCh37 (hg19) VCF-style: chr6-44269853-C-T.
Other names: short protein forms V848M.
Identifiers: ClinVar variation 1314019 (VCV001314019.4), dbSNP rs2153353779, ClinGen allele CA364336574.
Genomic context (GRCh38, chr6:44,302,116, plus strand): 5'-TCACCTGTCCCATTTGCAGCTTACGGATGGCAGTGTTGGCACGCCGCTGCAGCATCTTCA[C>T]TGTGGCCAGCAGCTCCCGCCGCTGCCACTGGGGCATCACAGCAGTTTCCACAGCCTATGG-3'
Protein context (NP_065796.2, residues 838-858): QWQRRELLAT[Val848Met]KMLQRRANTA